The following is an entry in ClinVar:

NM_004612.4(TGFBR1):c.1286A>G (p.Tyr429Cys)

Gene: TGFBR1 (transforming growth factor beta receptor 1; plus strand). Cytogenetic location: 9q22.33.
Variant type: single nucleotide variant.
Coding change: c.1286A>G on transcript NM_004612.4 (MANE Select); coding-DNA position 1286, A replaced by G.
Protein change: p.Tyr429Cys; replaces tyrosine 429 with cysteine.
Molecular consequence: missense variant.
Genome position (GRCh38, 1-based): chr9:99,147,684, A>G. VCF-style: chr9-99147684-A-G. GRCh37 (hg19) VCF-style: chr9-101909966-A-G.
Other names: c.1055A>G, p.Tyr352Cys (NM_001130916.3); c.1298A>G, p.Tyr433Cys (NM_001306210.2); c.1286A>G (NM_004612.2); short protein forms Y352C, Y429C, Y433C.
Identifiers: ClinVar variation 1383707 (VCV001383707.7), dbSNP rs1827840874, ClinGen allele CA374233299.

ClinVar aggregate classification (germline): Uncertain significance. Review status: criteria provided, multiple submitters, no conflicts (2 of 4 stars). 2 submissions from 2 submitters: Uncertain significance (2). Last evaluated 2023-05-18.

Conditions:
Familial thoracic aortic aneurysm and aortic dissection (TAAD). Also called: Thoracic aortic aneurysms and dissections. Identifiers: Orphanet 91387, MedGen C4707243, MONDO:0019625.

Allele frequency attached by ClinVar (database versions not stated): gnomAD exomes below 0.00001.
gnomAD v4.1: 2 of 1,613,678 alleles (0.00012%); highest among the groups gnomAD compares: East Asian, 0.0022%; no homozygotes.

Submissions (2):

GeneDx
Classification: Uncertain significance. Last evaluated: 2023-05-18. Review status: criteria provided, single submitter. Criteria: GeneDx Variant Classification Process June 2021. Collection method: clinical testing. Allele origin: germline. Affected: yes.
Comment: Not observed at significant frequency in large population cohorts (gnomAD); In silico analysis supports that this missense variant has a deleterious effect on protein structure/function; Has not been previously published as pathogenic or benign to our knowledge

Labcorp Genetics (formerly Invitae), Labcorp
Classification: Uncertain significance for Familial thoracic aortic aneurysm and aortic dissection. Last evaluated: 2022-07-25. Review status: criteria provided, single submitter. Criteria: Invitae Variant Classification Sherloc (09022015). Collection method: clinical testing. Allele origin: germline.
Comment: This sequence change replaces tyrosine, which is neutral and polar, with cysteine, which is neutral and slightly polar, at codon 429 of the TGFBR1 protein (p.Tyr429Cys). In summary, the available evidence is currently insufficient to determine the role of this variant in disease. Therefore, it has been classified as a Variant of Uncertain Significance. Advanced modeling of protein sequence and biophysical properties (such as structural, functional, and spatial information, amino acid conservation, physicochemical variation, residue mobility, and thermodynamic stability) performed at Invitae indicates that this missense variant is expected to disrupt TGFBR1 protein function. ClinVar contains an entry for this variant (Variation ID: 1383707). This variant has not been reported in the literature in individuals affected with TGFBR1-related conditions. This variant is not present in population databases (gnomAD no frequency).